The following is an entry in ClinVar:

NM_001042492.3(NF1):c.475A>C (p.Thr159Pro)

Gene: NF1 (neurofibromin 1; plus strand). Cytogenetic location: 17q11.2.
Variant type: single nucleotide variant.
Coding change: c.475A>C on transcript NM_001042492.3 (MANE Select); coding-DNA position 475, A replaced by C.
Protein change: p.Thr159Pro; replaces threonine 159 with proline.
Molecular consequence: missense variant.
Genome position (GRCh38, 1-based): chr17:31,163,372, A>C. VCF-style: chr17-31163372-A-C. GRCh37 (hg19) VCF-style: chr17-29490390-A-C.
Other names: c.475A>C, p.Thr159Pro (NM_000267.4, NM_001128147.3); short protein forms T159P.
Identifiers: ClinVar variation 185947 (VCV000185947.11), dbSNP rs371192107, ClinGen allele CA193461.

ClinVar aggregate classification (germline): Uncertain significance. Review status: criteria provided, multiple submitters, no conflicts (2 of 4 stars). 3 submissions from 3 submitters: Uncertain significance (3). Last evaluated 2022-03-15.

Conditions:
Hereditary cancer-predisposing syndrome. Also called: Hereditary Cancer Syndrome; Neoplastic Syndromes, Hereditary; Tumor predisposition; Hereditary neoplastic syndrome. Identifiers: Orphanet 140162, MedGen C0027672, MeSH D009386, MONDO:0015356.
Neurofibromatosis, type 1 (NF1). Also called: NEUROFIBROMATOSIS, TYPE I, SOMATIC; VON RECKLINGHAUSEN DISEASE; Peripheral type neurofibromatosis; Neurofibromatosis, type I. Identifiers: Orphanet 636, MedGen C0027831, MONDO:0018975, OMIM 162200. Disease mechanism: loss of function.

gnomAD v4.1: 1 of 1,613,990 alleles (0.000062%); highest among the groups gnomAD compares: Non-Finnish European, 0.000085%; no homozygotes.

Submissions (3):

Genome-Nilou Lab
Classification: Uncertain significance for Neurofibromatosis, type 1. Last evaluated: 2022-03-15. Review status: criteria provided, single submitter. Criteria: ACMG Guidelines, 2015. Collection method: clinical testing. Allele origin: germline. Affected: no.

Labcorp Genetics (formerly Invitae), Labcorp
Classification: Uncertain significance for Neurofibromatosis, type 1. Last evaluated: 2022-02-25. Review status: criteria provided, single submitter. Criteria: Invitae Variant Classification Sherloc (09022015). Collection method: clinical testing. Allele origin: germline.
Comment: This variant is present in population databases (rs371192107, gnomAD 0.0009%). In summary, the available evidence is currently insufficient to determine the role of this variant in disease. Therefore, it has been classified as a Variant of Uncertain Significance. Advanced modeling of protein sequence and biophysical properties (such as structural, functional, and spatial information, amino acid conservation, physicochemical variation, residue mobility, and thermodynamic stability) performed at Invitae indicates that this missense variant is expected to disrupt NF1 protein function. ClinVar contains an entry for this variant (Variation ID: 185947). This variant has not been reported in the literature in individuals affected with NF1-related conditions. This sequence change replaces threonine, which is neutral and polar, with proline, which is neutral and non-polar, at codon 159 of the NF1 protein (p.Thr159Pro).

Ambry Genetics
Classification: Uncertain significance for Hereditary cancer-predisposing syndrome. Last evaluated: 2014-08-29. Review status: criteria provided, single submitter. Criteria: Ambry Autosomal Dominant and X-Linked criteria (10/2015). Collection method: clinical testing. Allele origin: germline. Observed: 1 variant allele.
Comment: The p.T159P variant (also known as c.475A>C), located in coding exon 4 of the NF1 gene, results from an A to C substitution at nucleotide position 475. The threonine at codon 159 is replaced by proline, an amino acid with highly similar properties. This variant was not reported in population based cohorts in the following databases: Database of Single Nucleotide Polymorphisms (dbSNP), NHLBI Exome Sequencing Project (ESP), and 1000 Genomes Project. In the ESP, this variant was not observed in 6503 samples (13006 alleles) with coverage at this position. To date, this alteration has been detected with an allele frequency of approximately 0.01% (greater than 11,000 alleles tested) in our clinical cohort. Based on protein sequence alignment, this amino acid position is highly conserved in available vertebrate species. In addition, this alteration is predicted to be deleterious by in silico analysis. Since supporting evidence is limited at this time, the clinical significance of p.T159P remains unclear.